The following is an entry in ClinVar:

ClinVar aggregate classification (germline): Pathogenic (1 of 4 stars; one submission).

Conditions:
Neurofibromatosis, type 1 (NF1). Also called: NEUROFIBROMATOSIS, TYPE I, SOMATIC; Peripheral type neurofibromatosis; Neurofibromatosis, type I; VON RECKLINGHAUSEN DISEASE. Identifiers: Orphanet 636, MedGen C0027831, MONDO:0018975, OMIM 162200. Disease mechanism: loss of function.

Submission:

Labcorp Genetics (formerly Invitae), Labcorp
Classification: Pathogenic for Neurofibromatosis, type 1. Last evaluated: 2025-01-26. Review status: criteria provided, single submitter. Criteria: Invitae Variant Classification Sherloc (09022015). Collection method: clinical testing. Allele origin: germline.
Comment: This sequence change creates a premature translational stop signal (p.Leu2346Serfs*19) in the NF1 gene. It is expected to result in an absent or disrupted protein product. Loss-of-function variants in NF1 are known to be pathogenic (PMID: 10712197, 23913538). This variant is not present in population databases (gnomAD no frequency). This variant has not been reported in the literature in individuals affected with NF1-related conditions. For these reasons, this variant has been classified as Pathogenic.

Literature cited by the submitters: PubMed 10712197; PubMed 23913538.

NM_001042492.3(NF1):c.7097dup (p.Leu2367fs)

Gene: NF1 (neurofibromin 1; plus strand). Cytogenetic location: 17q11.2.
Variant type: Duplication.
Coding change: c.7097dup on transcript NM_001042492.3 (MANE Select); coding-DNA position 7097, one base duplicated (C; older notation c.7097dupC).
Protein change: p.Leu2367fs; shifts the reading frame from leucine 2367.
Molecular consequence: frameshift variant.
Genome position (GRCh38, 1-based): chr17:31,343,043, C duplicated; the last of 2 consecutive C bases (chr17:31,343,042-31,343,043); duplicating either gives the same sequence. VCF-style (leftmost placement, unchanged base first): chr17-31343041-T-TC. GRCh37 (hg19) VCF-style: chr17-29670059-T-TC.
Other names: c.7034dup, p.Leu2346Serfs (NM_000267.4); short protein forms L2367fs, L2346fs.
Identifiers: ClinVar variation 3727720 (VCV003727720.2).
Genomic context (GRCh38, chr17:31,343,041, plus strand): 5'-TCAACCATCTCATGATTATCTTTAATAGAGTCCAGAGGAAGTATTTATGGCAATCCGGAA[T>TC]CCTCTGGAGTGGCACTGCAAGCAAATGGATCATTTTGTTGGACTCAATTTCAACTCTAAC-3'